The following is an entry in ClinVar:

ClinVar aggregate classification (germline): Likely pathogenic (1 of 4 stars; one submission).

Submission:

GeneDx
Classification: Likely pathogenic. Last evaluated: 2024-09-10. Review status: criteria provided, single submitter. Criteria: GeneDx Variant Classification Process June 2021. Collection method: clinical testing. Allele origin: germline. Affected: yes.
Comment: Frameshift variant predicted to result in abnormal protein length as the last 186 amino acid(s) are replaced with 64 different amino acid(s), and other similar variants have been reported in HGMD; Not observed at significant frequency in large population cohorts (gnomAD); Has not been previously published as pathogenic or benign to our knowledge

NM_002968.3(SALL1):c.3417del (p.Cys1139fs)

Gene: SALL1 (spalt like transcription factor 1; minus strand). Cytogenetic location: 16q12.1.
Variant type: Deletion.
Coding change: c.3417del on transcript NM_002968.3 (MANE Select); coding-DNA position 3417, one base deleted (T; older notation c.3417delT).
Protein change: p.Cys1139fs; shifts the reading frame from cysteine 1139.
Molecular consequence: frameshift variant.
Genome position (GRCh38, 1-based): chr16:51,138,805, A deleted on the plus strand (T on the coding strand, the reverse complement: SALL1 is on the minus strand). VCF-style (leftmost placement, unchanged base first): chr16-51138804-CA-C. GRCh37 (hg19) VCF-style: chr16-51172715-CA-C.
Other names: c.3126del, p.Cys1042fs (NM_001127892.2); c.3417delT, p.Cys1139Trpfs (NM_002968.2); short protein forms C1042fs, C1139fs.
Identifiers: ClinVar variation 3767607 (VCV003767607.1).